The following is an entry in ClinVar:

NM_001365951.3(KIF1B):c.3908G>A (p.Gly1303Glu)

Gene: KIF1B (kinesin family member 1B; plus strand). Cytogenetic location: 1p36.22.
Variant type: single nucleotide variant.
Coding change: c.3908G>A on transcript NM_001365951.3 (MANE Select); coding-DNA position 3908, G replaced by A.
Protein change: p.Gly1303Glu; replaces glycine 1303 with glutamic acid.
Molecular consequence: missense variant.
Genome position (GRCh38, 1-based): chr1:10,348,692, G>A. VCF-style: chr1-10348692-G-A. GRCh37 (hg19) VCF-style: chr1-10408750-G-A.
Other names: c.3908G>A, p.Gly1303Glu (NM_001365952.1); c.3770G>A, p.Gly1257Glu (NM_015074.3); short protein forms G1257E, G1303E.
Identifiers: ClinVar variation 3226476 (VCV003226476.2), dbSNP rs149889673, ClinGen allele CA17846302.

ClinVar aggregate classification (germline): Uncertain significance (1 of 4 stars; one submission).

Allele frequency attached by ClinVar (database versions not stated): TOPMed 0.00001; gnomAD 0.00001; ESP Exome Variant Server 0.00008; gnomAD exomes below 0.00001.
gnomAD v4.1: 5 of 1,614,050 alleles (0.00031%); highest among the groups gnomAD compares: Non-Finnish European, 0.00042%; no homozygotes.

Submission:

Ambry Genetics
Classification: Uncertain significance. Last evaluated: 2025-11-18. Review status: criteria provided, single submitter. Criteria: Ambry Variant Classification Scheme 2023. Collection method: clinical testing. Allele origin: germline.
Comment: The p.G1257E variant (also known as c.3770G>A), located in coding exon 34 of the KIF1B gene, results from a G to A substitution at nucleotide position 3770. The glycine at codon 1257 is replaced by glutamic acid, an amino acid with similar properties. This amino acid position is conserved. In addition, the in silico prediction for this alteration is inconclusive. Since supporting evidence is limited at this time, the clinical significance of this alteration remains unclear.